The following is an entry in ClinVar:

ClinVar aggregate classification (germline): Uncertain significance (1 of 4 stars; one submission).

Conditions:
Inborn genetic diseases. Identifiers: MedGen C0950123, MeSH D030342.

Allele frequency attached by ClinVar (database versions not stated): gnomAD exomes below 0.00001.
gnomAD v4.1: 1 of 1,613,208 alleles (0.000062%); no homozygotes.

Submission:

Ambry Genetics
Classification: Uncertain significance for Inborn genetic diseases. Last evaluated: 2022-12-20. Review status: criteria provided, single submitter. Criteria: Ambry Variant Classification Scheme 2023. Collection method: clinical testing. Allele origin: germline.
Comment: The p.P1637T variant (also known as c.4909C>A), located in coding exon 28 of the ATR gene, results from a C to A substitution at nucleotide position 4909. The proline at codon 1637 is replaced by threonine, an amino acid with highly similar properties. This amino acid position is conserved. In addition, this alteration is predicted to be deleterious by in silico analysis. Since supporting evidence is limited at this time, the clinical significance of this alteration remains unclear.

NM_001184.4(ATR):c.4909C>A (p.Pro1637Thr)

Gene: ATR (ATR checkpoint kinase; minus strand). Cytogenetic location: 3q23.
Variant type: single nucleotide variant.
Coding change: c.4909C>A on transcript NM_001184.4 (MANE Select); coding-DNA position 4909, C replaced by A.
Protein change: p.Pro1637Thr; replaces proline 1637 with threonine.
Molecular consequence: missense variant.
Genome position (GRCh38, 1-based): chr3:142,508,053, G>T on the plus strand (C>A on the coding strand, the complement: ATR is on the minus strand). VCF-style: chr3-142508053-G-T. GRCh37 (hg19) VCF-style: chr3-142226895-G-T.
Other names: c.4717C>A, p.Pro1573Thr (NM_001354579.2); short protein forms P1573T, P1637T.
Identifiers: ClinVar variation 2447366 (VCV002447366.2), dbSNP rs1431768486, ClinGen allele CA354820812.